The following is an entry in ClinVar:

ClinVar aggregate classification (germline): Uncertain significance. Review status: criteria provided, multiple submitters, no conflicts (2 of 4 stars). 2 submissions from 2 submitters: Uncertain significance (2). Last evaluated 2025-07-10.

Conditions:
Hereditary sensory and autonomic neuropathy type 6. Also called: Neuropathy, hereditary sensory and autonomic, type VI; HSAN VI. Identifiers: Orphanet 314381, MedGen C3539003, MONDO:0013839, OMIM 614653.
Epidermolysis bullosa simplex 3, localized or generalized intermediate, with BP230 deficiency (EBS3). Also called: Epidermolysis bullosa simplex due to BP230 deficiency; Epidermolysis bullosa simplex, autosomal recessive 2. Identifiers: Orphanet 412181, MedGen C3809470, MONDO:0014180, OMIM 615425.

Allele frequency attached by ClinVar (database versions not stated): ExAC 0.00005; gnomAD exomes 0.00005; 1000 Genomes Project 30x 0.00031.
gnomAD v4.1: 29 of 1,614,158 alleles (0.0018%); highest among the groups gnomAD compares: South Asian, 0.02%; no homozygotes.

Submissions (2):

GeneDx
Classification: Uncertain significance. Last evaluated: 2025-07-10. Review status: criteria provided, single submitter. Criteria: GeneDx Variant Classification Process June 2021. Collection method: clinical testing. Allele origin: germline. Affected: yes.
Comment: In silico analysis supports that this missense variant has a deleterious effect on protein structure/function; Has not been previously published as pathogenic or benign to our knowledge; Reported using the transcript encoding the epithelial isoform of the gene

Labcorp Genetics (formerly Invitae), Labcorp
Classification: Uncertain significance for Epidermolysis bullosa simplex 3, localized or generalized intermediate, with BP230 deficiency; Hereditary sensory and autonomic neuropathy type 6. Last evaluated: 2022-11-17. Review status: criteria provided, single submitter. Criteria: Invitae Variant Classification Sherloc (09022015). Collection method: clinical testing. Allele origin: germline.
Comment: In summary, the available evidence is currently insufficient to determine the role of this variant in disease. Therefore, it has been classified as a Variant of Uncertain Significance. Algorithms developed to predict the effect of missense changes on protein structure and function are either unavailable or do not agree on the potential impact of this missense change (SIFT: "Deleterious"; PolyPhen-2: "Probably Damaging"; Align-GVGD: "Class C0"). This variant has not been reported in the literature in individuals affected with DST-related conditions. This variant is present in population databases (rs754002684, gnomAD 0.03%). This sequence change replaces leucine, which is neutral and non-polar, with phenylalanine, which is neutral and non-polar, at codon 253 of the DST protein (p.Leu253Phe).

NM_001374736.1(DST):c.2370G>T (p.Leu790Phe)

Gene: DST (dystonin; minus strand). Cytogenetic location: 6p12.1.
Variant type: single nucleotide variant.
Coding change: c.2370G>T on transcript NM_001374736.1 (MANE Select); coding-DNA position 2370, G replaced by T.
Protein change: p.Leu790Phe; replaces leucine 790 with phenylalanine.
Molecular consequence: missense variant.
Genome position (GRCh38, 1-based): chr6:56,640,263, C>A on the plus strand (G>T on the coding strand, the complement: DST is on the minus strand). VCF-style: chr6-56640263-C-A. GRCh37 (hg19) VCF-style: chr6-56505061-C-A.
Other names: c.759G>T (NM_001723.5); c.2271G>T, p.Leu757Phe (NM_001144769.5); c.1857G>T, p.Leu619Phe (NM_001144770.2); c.2370G>T, p.Leu790Phe (NM_001374722.1); c.1737G>T, p.Leu579Phe (NM_001374729.1, NM_001374730.1, NM_001386100.1 and 1 more transcripts); c.2397G>T, p.Leu799Phe (NM_001374734.1); c.759G>T, p.Leu253Phe (NM_001723.7, NM_015548.5); short protein forms L619F, L757F, L253F, L579F, L790F, L799F.
Identifiers: ClinVar variation 2924667 (VCV002924667.2), dbSNP rs754002684, ClinGen allele CA3871440.